The following is an entry in ClinVar:

NM_020975.6(RET):c.1511T>G (p.Val504Gly)

Gene: RET (ret proto-oncogene; plus strand). Cytogenetic location: 10q11.21.
Variant type: single nucleotide variant.
Coding change: c.1511T>G on transcript NM_020975.6 (MANE Select); coding-DNA position 1511, T replaced by G.
Protein change: p.Val504Gly; replaces valine 504 with glycine.
Molecular consequence: missense variant.
Genome position (GRCh38, 1-based): chr10:43,111,454, T>G. VCF-style: chr10-43111454-T-G. GRCh37 (hg19) VCF-style: chr10-43606902-T-G.
Other names: c.1511T>G, p.Val504Gly (NM_000323.2, NM_001406743.1, NM_001406744.1 and 6 more transcripts); c.749T>G, p.Val250Gly (NM_001355216.2); c.1382T>G, p.Val461Gly (NM_001406761.1, NM_001406762.1, NM_001406764.1 and 1 more transcripts); c.1223T>G, p.Val408Gly (NM_001406766.1, NM_001406767.1, NM_001406770.1); c.1115T>G, p.Val372Gly (NM_001406769.1, NM_001406772.1); c.1073T>G, p.Val358Gly (NM_001406771.1, NM_001406773.1); c.986T>G, p.Val329Gly (NM_001406774.1); c.785T>G, p.Val262Gly (NM_001406775.1, NM_001406776.1, NM_001406777.1 and 1 more transcripts); and 1 more; short protein forms V329G, V174G, V372G, V461G, V250G, V262G, V358G, V408G.
Identifiers: ClinVar variation 1774224 (VCV001774224.2), dbSNP rs1837925624, ClinGen allele CA376550015.

ClinVar aggregate classification (germline): Uncertain significance (1 of 4 stars; one submission).

Conditions:
Hereditary cancer-predisposing syndrome. Also called: Hereditary Cancer Syndrome; Hereditary neoplastic syndrome; Neoplastic Syndromes, Hereditary; Tumor predisposition. Identifiers: Orphanet 140162, MedGen C0027672, MeSH D009386, MONDO:0015356.

Submission:

Ambry Genetics
Classification: Uncertain significance for Hereditary cancer-predisposing syndrome. Last evaluated: 2022-01-18. Review status: criteria provided, single submitter. Criteria: Ambry Variant Classification Scheme 2023. Collection method: clinical testing. Allele origin: germline.
Comment: The p.V504G variant (also known as c.1511T>G), located in coding exon 7 of the RET gene, results from a T to G substitution at nucleotide position 1511. The valine at codon 504 is replaced by glycine, an amino acid with dissimilar properties. This amino acid position is conserved. In addition, the in silico prediction for this alteration is inconclusive. Since supporting evidence is limited at this time, the clinical significance of this alteration remains unclear.